The following is an entry in ClinVar:

ClinVar aggregate classification (germline): Uncertain significance. Review status: criteria provided, multiple submitters, no conflicts (2 of 4 stars). 2 submissions from 2 submitters: Uncertain significance (2). Last evaluated 2024-12-02.

Conditions:
Inborn genetic diseases. Identifiers: MedGen C0950123, MeSH D030342.

Allele frequency attached by ClinVar (database versions not stated): gnomAD 0.00031 and 0.00034; ESP Exome Variant Server 0.00054; TOPMed 0.00046.
gnomAD v4.1: 96 of 1,606,618 alleles (0.006%); highest among the groups gnomAD compares: African/African-American, 0.12%; 1 homozygote.

Submissions (2):

Ambry Genetics
Classification: Uncertain significance for Inborn genetic diseases. Last evaluated: 2024-12-02. Review status: criteria provided, single submitter. Criteria: Ambry Variant Classification Scheme 2023. Collection method: clinical testing. Allele origin: germline.

Labcorp Genetics (formerly Invitae), Labcorp
Classification: Uncertain significance. Last evaluated: 2022-06-02. Review status: criteria provided, single submitter. Criteria: Invitae Variant Classification Sherloc (09022015). Collection method: clinical testing. Allele origin: germline.
Comment: This sequence change replaces alanine, which is neutral and non-polar, with serine, which is neutral and polar, at codon 376 of the SLC18A3 protein (p.Ala376Ser). This variant is present in population databases (rs149604765, gnomAD 0.1%). This variant has not been reported in the literature in individuals affected with SLC18A3-related conditions. ClinVar contains an entry for this variant (Variation ID: 1522650). Algorithms developed to predict the effect of missense changes on protein structure and function output the following: SIFT: "Tolerated"; PolyPhen-2: "Benign"; Align-GVGD: "Class C0". The serine amino acid residue is found in multiple mammalian species, which suggests that this missense change does not adversely affect protein function. In summary, the available evidence is currently insufficient to determine the role of this variant in disease. Therefore, it has been classified as a Variant of Uncertain Significance.

NM_003055.3(SLC18A3):c.1126G>T (p.Ala376Ser)

Genes: CHAT (choline O-acetyltransferase; plus strand), SLC18A3 (solute carrier family 18 member A3; plus strand). Cytogenetic location: 10q11.23.
Variant type: single nucleotide variant.
Coding change: c.1126G>T on transcript NM_003055.3 (MANE Select); coding-DNA position 1126, G replaced by T.
Protein change: p.Ala376Ser; replaces alanine 376 with serine.
Molecular consequence: missense variant. On other transcripts: intron variant (1).
Genome position (GRCh38, 1-based): chr10:49,611,866, G>T. VCF-style: chr10-49611866-G-T. GRCh37 (hg19) VCF-style: chr10-50819912-G-T.
Other names: c.-69+2667G>T (NM_020984.4); short protein forms A376S.
Identifiers: ClinVar variation 1522650 (VCV001522650.5), dbSNP rs149604765, ClinGen allele CA5496909.